The following is an entry in ClinVar:

ClinVar aggregate classification (germline): Uncertain significance (1 of 4 stars; one submission).

Submission:

Ambry Genetics
Classification: Uncertain significance. Last evaluated: 2024-04-20. Review status: criteria provided, single submitter. Criteria: Ambry Variant Classification Scheme 2023. Collection method: clinical testing. Allele origin: germline.
Comment: The p.S204G variant (also known as c.610A>G), located in coding exon 7 of the NPAT gene, results from an A to G substitution at nucleotide position 610. The serine at codon 204 is replaced by glycine, an amino acid with similar properties. This amino acid position is conserved. In addition, this alteration is predicted to be tolerated by in silico analysis. Since supporting evidence is limited at this time, the clinical significance of this alteration remains unclear.

NM_002519.3(NPAT):c.610A>G (p.Ser204Gly)

Gene: NPAT (nuclear protein, coactivator of histone transcription; minus strand). Cytogenetic location: 11q22.3.
Variant type: single nucleotide variant.
Coding change: c.610A>G on transcript NM_002519.3 (MANE Select); coding-DNA position 610, A replaced by G.
Protein change: p.Ser204Gly; replaces serine 204 with glycine.
Molecular consequence: missense variant.
Genome position (GRCh38, 1-based): chr11:108,188,126, T>C on the plus strand (A>G on the coding strand, the complement: NPAT is on the minus strand). VCF-style: chr11-108188126-T-C. GRCh37 (hg19) VCF-style: chr11-108058853-T-C.
Other names: c.610A>G, p.Ser204Gly (NM_001321307.1); short protein forms S204G.
Identifiers: ClinVar variation 1751659 (VCV001751659.3), dbSNP rs1317334047, ClinGen allele CA382523044.